The following is an entry in ClinVar:

NM_001365536.1(SCN9A):c.5943A>T (p.Lys1981Asn)

Genes: SCN1A-AS1 (SCN1A and SCN9A antisense RNA 1; plus strand), SCN9A (sodium voltage-gated channel alpha subunit 9; minus strand). Cytogenetic location: 2q24.3.
Variant type: single nucleotide variant.
Coding change: c.5943A>T on transcript NM_001365536.1 (MANE Select); coding-DNA position 5943, A replaced by T.
Protein change: p.Lys1981Asn; replaces lysine 1981 with asparagine.
Molecular consequence: missense variant.
Genome position (GRCh38, 1-based): chr2:166,198,696, T>A on the plus strand (A>T on the coding strand, the complement: SCN9A is on the minus strand). VCF-style: chr2-166198696-T-A. GRCh37 (hg19) VCF-style: chr2-167055206-T-A.
Other names: c.5910A>T, p.Lys1970Asn (NM_002977.4); short protein forms K1970N, K1981N.
Identifiers: ClinVar variation 2108692 (VCV002108692.4), dbSNP rs2106335469, ClinGen allele CA349050956.

ClinVar aggregate classification (germline): Uncertain significance (1 of 4 stars; one submission).

Conditions:
Neuropathy, hereditary sensory and autonomic, type 2A (HSAN2A). Also called: WNK1-Related HSAN2 (HSAN2A); HSAN IIA; ACROOSTEOLYSIS, GIACCAI TYPE; ACROOSTEOLYSIS, NEUROGENIC; MORVAN DISEASE; NEUROPATHY, CONGENITAL SENSORY. Identifiers: Orphanet 970, MedGen C2752089, MONDO:0024309, OMIM 201300.
Generalized epilepsy with febrile seizures plus, type 7 (GEFSP7). Also called: GEFS+, TYPE 7. Identifiers: Orphanet 36387, MedGen C2751778, MONDO:0013470, OMIM 613863.

Allele frequency attached by ClinVar (database versions not stated): gnomAD 0.00001; 1000 Genomes Project 30x 0.00016.
gnomAD v4.1: 1 of 1,604,626 alleles (0.000062%); highest among the groups gnomAD compares: East Asian, 0.0022%; no homozygotes.

Submission:

Labcorp Genetics (formerly Invitae), Labcorp
Classification: Uncertain significance for Neuropathy, hereditary sensory and autonomic, type 2A; Generalized epilepsy with febrile seizures plus, type 7. Last evaluated: 2023-05-23. Review status: criteria provided, single submitter. Criteria: Invitae Variant Classification Sherloc (09022015). Collection method: clinical testing. Allele origin: germline.
Comment: This variant is not present in population databases (gnomAD no frequency). In summary, the available evidence is currently insufficient to determine the role of this variant in disease. Therefore, it has been classified as a Variant of Uncertain Significance. Advanced modeling of protein sequence and biophysical properties (such as structural, functional, and spatial information, amino acid conservation, physicochemical variation, residue mobility, and thermodynamic stability) has been performed at Invitae for this missense variant, however the output from this modeling did not meet the statistical confidence thresholds required to predict the impact of this variant on SCN9A protein function. ClinVar contains an entry for this variant (Variation ID: 2108692). This variant has not been reported in the literature in individuals affected with SCN9A-related conditions. This sequence change replaces lysine, which is basic and polar, with asparagine, which is neutral and polar, at codon 1970 of the SCN9A protein (p.Lys1970Asn).